The following is an entry in ClinVar:

NM_032119.4(ADGRV1):c.7310A>G (p.Tyr2437Cys)

Gene: ADGRV1 (adhesion G protein-coupled receptor V1; plus strand). Cytogenetic location: 5q14.3.
Variant type: single nucleotide variant.
Coding change: c.7310A>G on transcript NM_032119.4 (MANE Select); coding-DNA position 7310, A replaced by G.
Protein change: p.Tyr2437Cys; replaces tyrosine 2437 with cysteine.
Molecular consequence: missense variant. On other transcripts: non-coding transcript variant (1).
Genome position (GRCh38, 1-based): chr5:90,694,066, A>G. VCF-style: chr5-90694066-A-G. GRCh37 (hg19) VCF-style: chr5-89989883-A-G.
Other names: short protein forms Y2437C.
Identifiers: ClinVar variation 1448619 (VCV001448619.8), dbSNP rs2149639983, ClinGen allele CA360376100.
Genomic context (GRCh38, chr5:90,694,066, plus strand): 5'-GGGTGCCTGACCCACTTTGGAGAACTTGGATGAATGTCTCTGCCGTGGGGGAGCCCCTGT[A>G]TACCTGTGCCACTTTGTGCCTTAAGGAACAAGCTTGCTCAGCGTTTTCATTTTTCAGTGC-3'
Protein context (NP_115495.3, residues 2427-2447): MNVSAVGEPL[Tyr2437Cys]TCATLCLKEQ

ClinVar aggregate classification (germline): Uncertain significance (1 of 4 stars; one submission).

gnomAD v4.1: 1 of 1,613,852 alleles (0.000062%); no homozygotes.

Submission:

Labcorp Genetics (formerly Invitae), Labcorp
Classification: Uncertain significance. Last evaluated: 2025-10-27. Review status: criteria provided, single submitter. Criteria: Invitae Variant Classification Sherloc (09022015). Collection method: clinical testing. Allele origin: germline.
Comment: This sequence change replaces tyrosine, which is neutral and polar, with cysteine, which is neutral and slightly polar, at codon 2437 of the ADGRV1 protein (p.Tyr2437Cys). This variant is not present in population databases (gnomAD no frequency). This variant has not been reported in the literature in individuals affected with ADGRV1-related conditions. ClinVar contains an entry for this variant (Variation ID: 1448619). Invitae Evidence Modeling of protein sequence and biophysical properties (such as structural, functional, and spatial information, amino acid conservation, physicochemical variation, residue mobility, and thermodynamic stability) indicates that this missense variant is not expected to disrupt ADGRV1 protein function with a negative predictive value of 95%. In summary, the available evidence is currently insufficient to determine the role of this variant in disease. Therefore, it has been classified as a Variant of Uncertain Significance.